The following continues an entry in ClinVar:

NM_000787.4(DBH):c.339+2T>C

Gene: DBH. ClinVar aggregate classification (germline): Pathogenic. Pathogenic (15).

Submissions 12 to 20 of 20:

Baylor Genetics
Classification: Pathogenic for Orthostatic hypotension 1. Last evaluated: 2018-06-29. Review status: criteria provided, single submitter. Criteria: ACMG Guidelines, 2015. Collection method: clinical testing. Allele origin: unknown. Affected: yes.
Comment: This variant was determined to be pathogenic according to ACMG Guidelines, 2015 [PMID:25741868]. This variant has been previously reported as disease-causing [PMID 11857564, 27778639, 21209083]

Illumina Laboratory Services, Illumina
Classification: Pathogenic for Orthostatic hypotension 1. Last evaluated: 2017-04-28. Review status: criteria provided, single submitter. Criteria: ICSL Variant Classification Criteria 09 May 2019. Collection method: clinical testing. Allele origin: germline.
Comment: The DBH c.339+2T>C variant, also referred to as IVS1+2T>C, occurs in a canonical splice site (donor) and is therefore predicted to disrupt or distort the normal gene product. Across five studies, this variant is reported in a total of 11 dopamine beta-hydroxylas (DBH) deficiency patients, including two homozygotes and nine compound heterozygotes (Kim et al. 2002; Zabetian et al. 2003; Deinum et al. 2004; Kim et al. 2011; Jepma et al. 2011). The variant was also found in a heterozygous state in ten unaffected individuals and family members of patients. The c.339+2T>C variant was reported in a heterozygous state in one of 989 total controls and is reported at a frequency of 0.00128 in the European American population of the Exome Sequencing Project. RT-PCR analysis of the variant mRNA expressed in COS-7 cells showed that the c.339+2T>C variant caused aberrant splicing that resulted in a transcript that included intronic sequence and a premature termination codon (Kim et al. 2002). Additionally, Kim et al. (2011) demonstrated that expression of the c.339+2T>C variant in CHO cells showed no detectable DBH protein. Based on the collective evidence, the c.339+2T>C variant is classified as pathogenic for dopamine beta-hydroxylase deficiency. This variant was observed by ICSL as part of a predisposition screen in an ostensibly healthy population.

Eurofins Ntd Llc (ga)
Classification: Pathogenic. Last evaluated: 2016-01-05. Review status: criteria provided, single submitter. Criteria: EGL Classification Definitions 2015. Collection method: clinical testing. Allele origin: germline. Observed: 1 variant allele, 1 heterozygote.

Laboratory for Molecular Medicine, Mass General Brigham Personalized Medicine
Classification: Pathogenic for Dopamine beta hydroxylase deficiency. Last evaluated: 2014-09-30. Review status: criteria provided, single submitter. Criteria: LMM Criteria. Collection method: clinical testing. Allele origin: germline. Inheritance: Autosomal recessive inheritance. Observed: 1 variant allele. Study: CSER-MedSeq.
Comment: The 339+2T>C variant in DBH has been previously reported in 1 homozygous and 5 compound heterozygous individuals with dopamine beta-hydroxylase deficiency and was found to segregate with disease in 2 affected compound heterozygous relatives (Kim 2002, Denium 2004, Kim 2011, ). This variant has been identified in 0.128% (11/8600) of European American chromosomes by the NHLBI Exome Sequencing Project (dbSNP rs74853476). Although this variant has been seen in the general population, its frequency is low enough to be consistent with a recessive carrier frequency. This variant occurs in the invariant region (+/- 1,2) of the splice consensus sequence and in vitro splicing assays suggest it causes altered splicing leading to an absent protein (Kim 2011); however, these types of assays may not accurately represent biological function. In summary, this variant meets our criteria to be classified as pathogenic for dopamine beta-hydroxylase deficiency in an autosomal recessive manner based upon segregation studies and functional evidence.

OMIM
Classification: Pathogenic for ORTHOSTATIC HYPOTENSION 1. Last evaluated: 2003-12-01. Review status: no assertion criteria provided. Collection method: literature only. Allele origin: germline. Not counted in ClinVar's aggregate classification.

Clinical Genetics DNA and cytogenetics Diagnostics Lab, Erasmus MC, Erasmus Medical Center
Classification: Likely pathogenic. Review status: no assertion criteria provided. Collection method: clinical testing. Allele origin: germline. Affected: yes. Study: VKGL Data-share Consensus. Not counted in ClinVar's aggregate classification.

Dr. Peter K. Rogan Lab, Western University
No classification provided (evidence only). Condition: Lymphoma. Review status: no classification provided. Collection method: in vitro. Allele origin: not applicable. Functional consequence: retained intron. Not counted in ClinVar's aggregate classification.

GeneReviews
No classification provided. Condition: Orthostatic hypotension 1. Review status: no classification provided. Collection method: literature only. Allele origin: germline. Not counted in ClinVar's aggregate classification.
Comment: Common pathogenic variant that causes abnormal splicing [Kim et al 2002, Deinum et al 2004, Kim et al 2011, Phillips et al 2013, Arnold et al 2017]

Joint Genome Diagnostic Labs from Nijmegen and Maastricht, Radboudumc and MUMC+
Classification: Pathogenic. Review status: no assertion criteria provided. Collection method: clinical testing. Allele origin: germline. Affected: yes. Study: VKGL Data-share Consensus. Not counted in ClinVar's aggregate classification.

Literature cited by the submitters: PubMed 21209083 (cited by 8 submitters); PubMed 11857564 (cited by 10 submitters); PubMed 14598346 (cited by 3 submitters); PubMed 21471955 (cited by OLLIN Analises Genomicas, OLLIN and Illumina Laboratory Services, Illumina); PubMed 15060114 (cited by 9 submitters); PubMed 27778639 (cited by 6 submitters); PubMed 23622564 (cited by New York Genome Center and GeneReviews); NCBI Bookshelf NBK1474 (cited by GeneReviews).